The following is an entry in ClinVar:

ClinVar aggregate classification (germline): Uncertain significance (1 of 4 stars; one submission).

Conditions:
Inborn genetic diseases. Identifiers: MedGen C0950123, MeSH D030342.

gnomAD v4.1: 1 of 1,614,116 alleles (0.000062%); highest among the groups gnomAD compares: Non-Finnish European, 0.000085%; no homozygotes.

Submission:

Ambry Genetics
Classification: Uncertain significance for Inborn genetic diseases. Last evaluated: 2026-06-20. Review status: criteria provided, single submitter. Criteria: Ambry Variant Classification Scheme 2023. Collection method: clinical testing. Allele origin: germline.
Comment: The p.E186K variant (also known as c.556G>A), located in coding exon 1 of the SAMD9L gene, results from a G to A substitution at nucleotide position 556. The glutamic acid at codon 186 is replaced by lysine, an amino acid with similar properties. This amino acid position is conserved. In addition, this alteration is predicted to be tolerated by in silico analysis. Based on the available evidence, the clinical significance of this variant remains unclear.

NM_152703.5(SAMD9L):c.556G>A (p.Glu186Lys)

Gene: SAMD9L (sterile alpha motif domain containing 9 like; minus strand). Cytogenetic location: 7q21.2.
Variant type: single nucleotide variant.
Coding change: c.556G>A on transcript NM_152703.5 (MANE Select); coding-DNA position 556, G replaced by A.
Protein change: p.Glu186Lys; replaces glutamic acid 186 with lysine.
Molecular consequence: missense variant.
Genome position (GRCh38, 1-based): chr7:93,135,416, C>T on the plus strand (G>A on the coding strand, the complement: SAMD9L is on the minus strand). VCF-style: chr7-93135416-C-T. GRCh37 (hg19) VCF-style: chr7-92764729-C-T.
Other names: c.556G>A, p.Glu186Lys (NM_001303496.3, NM_001303497.3, NM_001303498.3 and 5 more transcripts); short protein forms E186K.
Identifiers: ClinVar variation 5028844 (VCV005028844.1).
Genomic context (GRCh38, chr7:93,135,416, plus strand): 5'-CTGTGTTTGTGAGAGCTTTGAACTCATGTATTGGATCAATGAGATTGAGTGCTCCTGTTT[C>T]AGGTTGTAGAGTATAATGTTCTATGTAGCGATGGCTGTCATGGAACTGATCAAAAGGATA-3'
Protein context (NP_689916.2, residues 176-196): RYIEHYTLQP[Glu186Lys]TGALNLIDPI